The following is an entry in ClinVar:

NM_006950.3(SYN1):c.980+14C>T

Gene: SYN1 (synapsin I; minus strand). Cytogenetic location: Xp11.3.
Variant type: single nucleotide variant.
Coding change: c.980+14C>T on transcript NM_006950.3 (MANE Select); 14 bases into the intron after coding-DNA position 980, C replaced by T.
Molecular consequence: intron variant.
Genome position (GRCh38, 1-based): chrX:47,576,484, G>A on the plus strand (C>T on the coding strand, the complement: SYN1 is on the minus strand). VCF-style: chrX-47576484-G-A. GRCh37 (hg19) VCF-style: chrX-47435883-G-A.
Other names: c.980+14C>T (NM_133499.2).
Identifiers: ClinVar variation 139381 (VCV000139381.17), dbSNP rs376734047, ClinGen allele CA293842.

ClinVar aggregate classification (germline): Benign/Likely benign. Review status: criteria provided, multiple submitters, no conflicts (2 of 4 stars). 5 submissions from 5 submitters: Benign (4); Likely benign (1). Last evaluated 2026-02-02.

Conditions:
Epilepsy, X-linked 1, with variable learning disabilities and behavior disorders. Also called: X-linked epilepsy-learning disabilities-behavior disorders syndrome. Identifiers: Orphanet 85294, MedGen C5774177, MONDO:0010339, OMIM 300491.

Allele frequency attached by ClinVar (database versions not stated): gnomAD exomes 0.00038 and 0.00074; ExAC 0.00068; 1000 Genomes Project 0.00079; 1000 Genomes Project 30x 0.00083; gnomAD 0.00154 and 0.00157; TOPMed 0.00172; ESP Exome Variant Server 0.00189.
gnomAD v4.1: 625 of 1,210,523 alleles (0.052%); highest among the groups gnomAD compares: African/African-American, 0.49%; no homozygotes.

Submissions (5):

Labcorp Genetics (formerly Invitae), Labcorp
Classification: Benign for Epilepsy, X-linked 1, with variable learning disabilities and behavior disorders. Last evaluated: 2026-02-02. Review status: criteria provided, single submitter. Criteria: Invitae Variant Classification Sherloc (09022015). Collection method: clinical testing. Allele origin: germline.

Blueprint Genetics
Classification: Likely benign. Last evaluated: 2024-07-02. Review status: criteria provided, single submitter. Criteria: ACMG Guidelines, 2015. Collection method: clinical testing. Allele origin: germline.

ARUP Laboratories, Molecular Genetics and Genomics, ARUP Laboratories
Classification: Benign. Last evaluated: 2023-12-19. Review status: criteria provided, single submitter. Criteria: ARUP Molecular Germline Variant Investigation Process 2024. Collection method: clinical testing. Allele origin: germline.

GeneDx
Classification: Benign. Last evaluated: 2013-07-25. Review status: criteria provided, single submitter. Criteria: GeneDx Variant Classification (06012015). Collection method: clinical testing. Allele origin: germline. Affected: yes.
Comment: This variant is considered likely benign or benign based on one or more of the following criteria: it is a conservative change, it occurs at a poorly conserved position in the protein, it is predicted to be benign by multiple in silico algorithms, and/or has population frequency not consistent with disease.

Breakthrough Genomics
Classification: Benign. Review status: criteria provided, single submitter. Criteria: ACMG Guidelines, 2015. Collection method: not provided. Allele origin: germline. Inheritance: X-linked inheritance. Affected: yes.